The following is an entry in ClinVar:

NM_018180.3(DHX32):c.598C>T (p.Leu200Phe)

Gene: DHX32 (DEAH-box helicase 32 (putative); minus strand). Cytogenetic location: 10q26.2.
Variant type: single nucleotide variant.
Coding change: c.598C>T on transcript NM_018180.3 (MANE Select); coding-DNA position 598, C replaced by T.
Protein change: p.Leu200Phe; replaces leucine 200 with phenylalanine.
Molecular consequence: missense variant.
Genome position (GRCh38, 1-based): chr10:125,859,854, G>A on the plus strand (C>T on the coding strand, the complement: DHX32 is on the minus strand). VCF-style: chr10-125859854-G-A. GRCh37 (hg19) VCF-style: chr10-127548423-G-A.
Other names: short protein forms L200F.
Identifiers: ClinVar variation 2020982 (VCV002020982.4), dbSNP rs1944174471, ClinGen allele CA378678850.

ClinVar aggregate classification (germline): Uncertain significance (1 of 4 stars; one submission).

Allele frequency attached by ClinVar (database versions not stated): gnomAD 0.00001.

Submission:

Labcorp Genetics (formerly Invitae), Labcorp
Classification: Uncertain significance. Last evaluated: 2025-09-08. Review status: criteria provided, single submitter. Criteria: Invitae Variant Classification Sherloc (09022015). Collection method: clinical testing. Allele origin: germline.
Comment: This sequence change replaces leucine, which is neutral and non-polar, with phenylalanine, which is neutral and non-polar, at codon 200 of the DHX32 protein (p.Leu200Phe). This variant is not present in population databases (gnomAD no frequency). This variant has not been reported in the literature in individuals affected with DHX32-related conditions. ClinVar contains an entry for this variant (Variation ID: 2020982). An algorithm developed to predict the effect of missense changes on protein structure and function (PolyPhen-2) suggests that this variant is likely to be tolerated. In summary, the available evidence is currently insufficient to determine the role of this variant in disease. Therefore, it has been classified as a Variant of Uncertain Significance.